The following is an entry in ClinVar:

ClinVar aggregate classification (germline): Uncertain significance (1 of 4 stars; one submission).

Conditions:
Deficiency of 2-methylbutyryl-CoA dehydrogenase (ACADSB). Also called: 2-methylbutyryl-CoA dehydrogenase deficiency; SBCAD deficiency; 2-methylbutyric aciduria; Short branched-chain acyl-CoA dehydrogenase deficiency; 2-methylbutyrylglycinuria. Identifiers: Orphanet 79157, MedGen C1864912, MONDO:0012392, OMIM 610006, HP:0020147.

gnomAD v4.1: 39 of 1,611,912 alleles (0.0024%); highest among the groups gnomAD compares: Non-Finnish European, 0.0031%; no homozygotes.

Submission:

Labcorp Genetics (formerly Invitae), Labcorp
Classification: Uncertain significance for Deficiency of 2-methylbutyryl-CoA dehydrogenase. Last evaluated: 2020-08-26. Review status: criteria provided, single submitter. Criteria: Invitae Variant Classification Sherloc (09022015). Collection method: clinical testing. Allele origin: germline.
Comment: This sequence change replaces histidine with glutamine at codon 338 of the ACADSB protein (p.His338Gln). The histidine residue is weakly conserved and there is a small physicochemical difference between histidine and glutamine. This variant is present in population databases (rs57339164, ExAC 0.002%). This variant has not been reported in the literature in individuals with ACADSB-related conditions. Algorithms developed to predict the effect of missense changes on protein structure and function output the following: SIFT: "Tolerated"; PolyPhen-2: "Benign"; Align-GVGD: "Class C0". The glutamine amino acid residue is found in multiple mammalian species, suggesting that this missense change does not adversely affect protein function. These predictions have not been confirmed by published functional studies and their clinical significance is uncertain. In summary, the available evidence is currently insufficient to determine the role of this variant in disease. Therefore, it has been classified as a Variant of Uncertain Significance.

NM_001609.4(ACADSB):c.1014C>G (p.His338Gln)

Gene: ACADSB (acyl-CoA dehydrogenase short/branched chain; plus strand). Cytogenetic location: 10q26.13.
Variant type: single nucleotide variant.
Coding change: c.1014C>G on transcript NM_001609.4 (MANE Select); coding-DNA position 1014, C replaced by G.
Protein change: p.His338Gln; replaces histidine 338 with glutamine.
Molecular consequence: missense variant.
Genome position (GRCh38, 1-based): chr10:123,051,072, C>G. VCF-style: chr10-123051072-C-G. GRCh37 (hg19) VCF-style: chr10-124810588-C-G.
Other names: c.708C>G, p.His236Gln (NM_001330174.3); short protein forms H236Q, H338Q.
Identifiers: ClinVar variation 1053419 (VCV001053419.9), dbSNP rs57339164, ClinGen allele CA5730897.
Genomic context (GRCh38, chr10:123,051,072, plus strand): 5'-AAATCATAATTCTCTAACTTGGGCCTGACTGTTACAGGGCCTCCAACACCAAGTGGCTCA[C>G]GTGGCCACCCAGCTGGAAGCTGCAAGATTACTAACATACAATGCTGCTAGGCTTTTAGAA-3'
Protein context (NP_001600.1, residues 328-348): DFQGLQHQVA[His338Gln]VATQLEAARL